The following is an entry in ClinVar:

NM_174936.4(PCSK9):c.429C>G (p.Ile143Met)

Gene: PCSK9 (proprotein convertase subtilisin/kexin type 9; plus strand). Cytogenetic location: 1p32.3.
Variant type: single nucleotide variant.
Coding change: c.429C>G on transcript NM_174936.4 (MANE Select); coding-DNA position 429, C replaced by G.
Protein change: p.Ile143Met; replaces isoleucine 143 with methionine.
Molecular consequence: missense variant. On other transcripts: non-coding transcript variant (6), intron variant (1).
Genome position (GRCh38, 1-based): chr1:55,046,552, C>G. VCF-style: chr1-55046552-C-G. GRCh37 (hg19) VCF-style: chr1-55512225-C-G.
Other names: c.552C>G, p.Ile184Met (NM_001407240.1); c.429C>G, p.Ile143Met (NM_001407241.1, NM_001407242.1, NM_001407244.1 and 1 more transcripts); c.237C>G, p.Ile79Met (NM_001407245.1); c.54C>G, p.Ile18Met (NM_001407246.1); c.400-28C>G (NM_001407243.1); short protein forms I143M, I184M, I18M, I79M.
Identifiers: ClinVar variation 3075290 (VCV003075290.3), dbSNP rs368511429, ClinGen allele CA340484549.

ClinVar aggregate classification (germline): Uncertain significance. Review status: criteria provided, multiple submitters, no conflicts (2 of 4 stars). 2 submissions from 2 submitters: Uncertain significance (2). Last evaluated 2024-05-25.

Conditions:
Hypercholesterolemia, autosomal dominant, 3 (FHCL3). Also called: Familial Hypercholesterolemia, Autosomal Dominant, 3; PCSK9-Related Familial Hypercholesterolemia, Autosomal Dominant; Familial hypercholesterolemia 3. Identifiers: MedGen C1863551, MONDO:0011369, OMIM 603776.

gnomAD v4.1: 2 of 1,614,138 alleles (0.00012%); highest among the groups gnomAD compares: Admixed American, 0.0033%; no homozygotes.

Submissions (2):

Labcorp Genetics (formerly Invitae), Labcorp
Classification: Uncertain significance for Hypercholesterolemia, autosomal dominant, 3. Last evaluated: 2024-05-25. Review status: criteria provided, single submitter. Criteria: Invitae Variant Classification Sherloc (09022015). Collection method: clinical testing. Allele origin: germline.
Comment: This sequence change replaces isoleucine, which is neutral and non-polar, with methionine, which is neutral and non-polar, at codon 143 of the PCSK9 protein (p.Ile143Met). This variant is not present in population databases (gnomAD no frequency). This variant has not been reported in the literature in individuals affected with PCSK9-related conditions. Advanced modeling of protein sequence and biophysical properties (such as structural, functional, and spatial information, amino acid conservation, physicochemical variation, residue mobility, and thermodynamic stability) performed at Invitae indicates that this missense variant is expected to disrupt PCSK9 protein function with a positive predictive value of 80%. In summary, the available evidence is currently insufficient to determine the role of this variant in disease. Therefore, it has been classified as a Variant of Uncertain Significance.

All of Us Research Program, National Institutes of Health
Classification: Uncertain significance for Hypercholesterolemia, autosomal dominant, 3. Last evaluated: 2024-01-03. Review status: criteria provided, single submitter. Criteria: ACMG Guidelines, 2015. Collection method: clinical testing. Allele origin: germline. Inheritance: Autosomal dominant inheritance. Observed: 1 variant allele, 1 heterozygote.
Comment: This missense variant replaces isoleucine with methionine at codon 143 of the PCSK9 protein. Computational prediction tools indicate that this variant's impact on protein structure and function is inconclusive. To our knowledge, functional studies have not been reported for this variant. This variant has not been reported in individuals affected with PCSK9-related disorders in the literature. This variant has not been identified in the general population by the Genome Aggregation Database (gnomAD). The available evidence is insufficient to determine the role of this variant in disease conclusively. Therefore, this variant is classified as a Variant of Uncertain Significance.

This study involves interpretation of variants in research participants for the purpose of population health screening. Participant phenotype was not available at the time of variant classification. Additional details can be found in publication PMID: 35346344, PMCID: PMC8962531